The following is an entry in ClinVar:

ClinVar aggregate classification (germline): Likely pathogenic (0 of 4 stars; one submission).

Conditions:
Familial sleep-related hypermotor epilepsy. Also called: Autosomal Dominant Sleep-Related Hypermotor (Hyperkinetic) Epilepsy. Identifiers: Orphanet 98784, MedGen C3696898, MONDO:0000030.

Submission:

Wen Jiang Lab, Comprehensive Epilepsy Center, Xijing Hospital
Classification: Likely pathogenic for Familial sleep-related hypermotor epilepsy. Last evaluated: 2022-02-09. Review status: no assertion criteria provided. Collection method: clinical testing. Allele origin: somatic, not applicable. Inheritance: Autosomal dominant inheritance. Affected: yes. Observed: 1 variant allele, 1 heterozygote.
Comment: The Thr317Asn variant in GABRG2 is a novel and de novo variant. This variant was absent from large population studies and multiple algorithms (PolyPhen, SIFT, and MutationTaster) predicted that the substitutions of Thr317Asn variant has a deleterious consequence. Additionally, in vitro functional studies indicate that theThr317Asn variant decreased GABA-evoked whole-cell current amplitudes. In summary, the Thr317Asn variant meets ACMG criteria to be classified as likely pathogenic based upon segregation studies, absence from controls, and functional evidence.

NM_198904.4(GABRG2):c.950C>A (p.Thr317Asn)

Gene: GABRG2 (gamma-aminobutyric acid type A receptor subunit gamma2; plus strand). Cytogenetic location: 5q34.
Variant type: single nucleotide variant.
Coding change: c.950C>A on transcript NM_198904.4 (MANE Select); coding-DNA position 950, C replaced by A.
Protein change: p.Thr317Asn; replaces threonine 317 with asparagine.
Molecular consequence: missense variant. On other transcripts: intron variant (1).
Genome position (GRCh38, 1-based): chr5:162,149,135, C>A. VCF-style: chr5-162149135-C-A. GRCh37 (hg19) VCF-style: chr5-161576141-C-A.
Other names: c.950C>A, p.Thr317Asn (NM_000816.3); c.941C>A, p.Thr314Asn (NM_001375339.1); c.947C>A, p.Thr316Asn (NM_001375341.1, NM_001375342.1); c.1070C>A, p.Thr357Asn (NM_001375343.1, NM_198903.2); c.989C>A, p.Thr330Asn (NM_001375344.1); c.884C>A, p.Thr295Asn (NM_001375345.1, NM_001375346.1); c.863C>A, p.Thr288Asn (NM_001375347.1); c.530C>A, p.Thr177Asn (NM_001375348.1, NM_001375350.1); and 2 more; short protein forms T177N, T222N, T288N, T295N, T314N, T316N, T317N, T330N.
Identifiers: ClinVar variation 1339652 (VCV001339652.3), dbSNP rs1765173859, ClinGen allele CA362182354.